The following is an entry in ClinVar:

ClinVar aggregate classification (germline): Likely benign (1 of 4 stars; one submission).

Allele frequency attached by ClinVar (database versions not stated): gnomAD 0.00001; TOPMed 0.00002; gnomAD exomes 0.00003.
gnomAD v4.1: 52 of 1,612,472 alleles (0.0032%); highest among the groups gnomAD compares: Middle Eastern, 0.021%; no homozygotes.

Submission:

CeGaT Center for Human Genetics Tuebingen
Classification: Likely benign. Last evaluated: 2023-08-01. Review status: criteria provided, single submitter. Criteria: CeGaT Center For Human Genetics Tuebingen Variant Classification Criteria Version 2. Collection method: clinical testing. Allele origin: germline. Affected: yes. Observed: 1 variant allele.
Comment: HERC2: BP4, BP7

NM_004667.6(HERC2):c.825C>A (p.Thr275=)

Gene: HERC2 (HECT and RLD domain containing E3 ubiquitin protein ligase 2; minus strand). Cytogenetic location: 15q13.1.
Variant type: single nucleotide variant.
Coding change: c.825C>A on transcript NM_004667.6 (MANE Select); coding-DNA position 825, C replaced by A.
Protein change: p.Thr275=; no amino-acid change (threonine 275 retained).
Molecular consequence: synonymous variant.
Genome position (GRCh38, 1-based): chr15:28,272,980, G>T on the plus strand (C>A on the coding strand, the complement: HERC2 is on the minus strand). VCF-style: chr15-28272980-G-T. GRCh37 (hg19) VCF-style: chr15-28518126-G-T.
Identifiers: ClinVar variation 2578731 (VCV002578731.25), dbSNP rs748386216, ClinGen allele CA267948564.